The following is an entry in ClinVar:

NM_052859.4(RFT1):c.*146C>T

Gene: RFT1 (RFT1 glycolipid translocator homolog; minus strand). Cytogenetic location: 3p21.1.
Variant type: single nucleotide variant.
Coding change: c.*146C>T on transcript NM_052859.4 (MANE Select); 146 bases downstream of the stop codon, C replaced by T.
Molecular consequence: 3 prime UTR variant.
Genome position (GRCh38, 1-based): chr3:53,091,757, G>A on the plus strand (C>T on the coding strand, the complement: RFT1 is on the minus strand). VCF-style: chr3-53091757-G-A. GRCh37 (hg19) VCF-style: chr3-53125773-G-A.
Identifiers: ClinVar variation 346181 (VCV000346181.6), dbSNP rs72965388, ClinGen allele CA10616437.

ClinVar aggregate classification (germline): Benign. Review status: criteria provided, multiple submitters, no conflicts (2 of 4 stars). 2 submissions from 2 submitters: Benign (2). Last evaluated 2021-04-25.

Conditions:
RFT1-congenital disorder of glycosylation (CDG1N). Also called: Congenital disorder of glycosylation type In; CDG In; RFT1-CDG. Identifiers: Orphanet 244310, MedGen C2677590, MONDO:0012783, OMIM 612015.

Allele frequency attached by ClinVar (database versions not stated): gnomAD 0.03449 and 0.03697; TOPMed 0.03892; 1000 Genomes Project 0.04293; 1000 Genomes Project 30x 0.04513.
gnomAD v4.1: 8,029 of 825,930 alleles (0.97%); highest among the groups gnomAD compares: African/African-American, 12%; 484 homozygotes.

Submissions (2):

GeneDx
Classification: Benign. Last evaluated: 2021-04-25. Review status: criteria provided, single submitter. Criteria: GeneDx Variant Classification Process June 2021. Collection method: clinical testing. Allele origin: germline. Affected: yes.

Illumina Laboratory Services, Illumina
Classification: Benign for RFT1-congenital disorder of glycosylation. Last evaluated: 2018-01-13. Review status: criteria provided, single submitter. Criteria: ICSL Variant Classification Criteria 13 December 2019. Collection method: clinical testing. Allele origin: germline.
Comment: This variant was observed in the ICSL laboratory as part of a predisposition screen in an ostensibly healthy population. It had not been previously curated by ICSL or reported in the Human Gene Mutation Database (HGMD: prior to June 1st, 2018), and was therefore a candidate for classification through an automated scoring system. Utilizing variant allele frequency, disease prevalence and penetrance estimates, and inheritance mode, an automated score was calculated to assess if this variant is too frequent to cause the disease. Based on the score and internal cut-off values, a variant classified as benign is not then subjected to further curation. The score for this variant resulted in a classification of benign for this disease.